The following is an entry in ClinVar:

NM_173500.4(TTBK2):c.2761T>C (p.Ser921Pro)

Gene: TTBK2 (tau tubulin kinase 2; minus strand). Cytogenetic location: 15q15.2.
Variant type: single nucleotide variant.
Coding change: c.2761T>C on transcript NM_173500.4 (MANE Select); coding-DNA position 2761, T replaced by C.
Protein change: p.Ser921Pro; replaces serine 921 with proline.
Molecular consequence: missense variant.
Genome position (GRCh38, 1-based): chr15:42,752,485, A>G on the plus strand (T>C on the coding strand, the complement: TTBK2 is on the minus strand). VCF-style: chr15-42752485-A-G. GRCh37 (hg19) VCF-style: chr15-43044683-A-G.
Other names: short protein forms S921P.
Identifiers: ClinVar variation 1693371 (VCV001693371.7), dbSNP rs751008854, ClinGen allele CA7516690.

ClinVar aggregate classification (germline): Uncertain significance. Review status: criteria provided, multiple submitters, no conflicts (2 of 4 stars). 2 submissions from 2 submitters: Uncertain significance (2). Last evaluated 2022-08-09.

Allele frequency attached by ClinVar (database versions not stated): gnomAD exomes below 0.00001; ExAC 0.00001.
gnomAD v4.1: 2 of 1,614,208 alleles (0.00012%); highest among the groups gnomAD compares: Middle Eastern, 0.016%; no homozygotes.

Submissions (2):

Labcorp Genetics (formerly Invitae), Labcorp
Classification: Uncertain significance. Last evaluated: 2022-08-09. Review status: criteria provided, single submitter. Criteria: Invitae Variant Classification Sherloc (09022015). Collection method: clinical testing. Allele origin: germline.
Comment: This sequence change replaces serine, which is neutral and polar, with proline, which is neutral and non-polar, at codon 921 of the TTBK2 protein (p.Ser921Pro). This variant is not present in population databases (gnomAD no frequency). This variant has not been reported in the literature in individuals affected with TTBK2-related conditions. ClinVar contains an entry for this variant (Variation ID: 1693371). Algorithms developed to predict the effect of missense changes on protein structure and function output the following: SIFT: "Deleterious"; PolyPhen-2: "Benign"; Align-GVGD: "Class C0". The proline amino acid residue is found in multiple mammalian species, which suggests that this missense change does not adversely affect protein function. In summary, the available evidence is currently insufficient to determine the role of this variant in disease. Therefore, it has been classified as a Variant of Uncertain Significance.

GeneDx
Classification: Uncertain significance. Last evaluated: 2022-01-03. Review status: criteria provided, single submitter. Criteria: GeneDx Variant Classification Process June 2021. Collection method: clinical testing. Allele origin: germline. Affected: yes.
Comment: Not observed at significant frequency in large population cohorts (gnomAD); In silico analysis supports that this missense variant does not alter protein structure/function; Has not been previously published as pathogenic or benign to our knowledge